The following is an entry in ClinVar:

NM_003716.4(CADPS):c.3806del (p.Ile1269fs)

Gene: CADPS (calcium dependent secretion activator; minus strand). Cytogenetic location: 3p14.2.
Variant type: Deletion.
Coding change: c.3806del on transcript NM_003716.4 (MANE Select); coding-DNA position 3806, one base deleted (T; older notation c.3806delT).
Protein change: p.Ile1269fs; shifts the reading frame from isoleucine 1269.
Molecular consequence: frameshift variant.
Genome position (GRCh38, 1-based): chr3:62,403,157, A deleted on the plus strand (T on the coding strand, the reverse complement: CADPS is on the minus strand). VCF-style (leftmost placement, unchanged base first): chr3-62403156-GA-G. GRCh37 (hg19) VCF-style: chr3-62388831-GA-G.
Other names: c.3569del, p.Ile1190fs (NM_183393.3); c.3689del, p.Ile1230fs (NM_183394.3); short protein forms I1190fs, I1230fs, I1269fs.
Identifiers: ClinVar variation 2636399 (VCV002636399.1), dbSNP rs2529893116, ClinGen allele CA2695197931.
Genomic context (GRCh38, chr3:62,403,156, plus strand): 5'-TAGTGTTTTCAACTGATAAATATGAAGCTGTAAGTCCATCCGGTCCGTCAACCAGGTGCA[GA>G]TCACGTTCATGGAGCTGTTGTACCATTGCTGAAAAAAGAGACAAAAGTTCTCCAGCCAAC-3'

ClinVar aggregate classification (germline): Uncertain significance (1 of 4 stars; one submission).

Conditions:
CADPS-related disorder. Also called: CADPS-related condition.

Submission:

PreventionGenetics, part of Exact Sciences
Classification: Uncertain significance for CADPS-related condition. Last evaluated: 2022-09-26. Review status: criteria provided, single submitter. Criteria: ACMG Guidelines, 2015. Collection method: clinical testing. Allele origin: germline.
Comment: The CADPS c.3806delT variant is predicted to result in a frameshift and premature protein termination (p.Ile1269Thrfs*5). To our knowledge, this variant has not been reported in the literature or in a large population database, indicating this variant is rare. At this time, the clinical significance of this variant is uncertain due to the absence of conclusive functional and genetic evidence.